The following is an entry in ClinVar:

ClinVar aggregate classification (germline): Uncertain significance. Review status: criteria provided, multiple submitters, no conflicts (2 of 4 stars). 4 submissions from 4 submitters: Uncertain significance (4). Last evaluated 2025-11-01.

Conditions:
Hereditary cancer-predisposing syndrome. Also called: Hereditary neoplastic syndrome; Tumor predisposition; Hereditary Cancer Syndrome; Neoplastic Syndromes, Hereditary. Identifiers: Orphanet 140162, MedGen C0027672, MeSH D009386, MONDO:0015356.
Familial melanoma. Also called: Hereditary melanoma; Hereditary cutaneous melanoma. Identifiers: Orphanet 618, MedGen C1512419, MONDO:0018961.

Allele frequency attached by ClinVar (database versions not stated): TOPMed 0.00004; ESP Exome Variant Server 0.00008.
gnomAD v4.1: 7 of 1,614,028 alleles (0.00043%); highest among the groups gnomAD compares: African/African-American, 0.0093%; no homozygotes.

Submissions (4):

Ambry Genetics
Classification: Uncertain significance for Hereditary cancer-predisposing syndrome. Last evaluated: 2025-11-01. Review status: criteria provided, single submitter. Criteria: Ambry Variant Classification Scheme 2023. Collection method: clinical testing. Allele origin: germline.
Comment: The p.V137L variant (also known as c.409G>C), located in coding exon 3 of the CDK4 gene, results from a G to C substitution at nucleotide position 409. The valine at codon 137 is replaced by leucine, an amino acid with highly similar properties. This amino acid position is not well conserved in available vertebrate species. In addition, this alteration is predicted to be tolerated by in silico analysis. Since supporting evidence is limited at this time, the clinical significance of this alteration remains unclear.

Labcorp Genetics (formerly Invitae), Labcorp
Classification: Uncertain significance for Familial melanoma. Last evaluated: 2025-05-18. Review status: criteria provided, single submitter. Criteria: Invitae Variant Classification Sherloc (09022015). Collection method: clinical testing. Allele origin: germline.
Comment: This sequence change replaces valine, which is neutral and non-polar, with leucine, which is neutral and non-polar, at codon 137 of the CDK4 protein (p.Val137Leu). This variant is present in population databases (rs150281463, gnomAD 0.008%). This variant has not been reported in the literature in individuals affected with CDK4-related conditions. ClinVar contains an entry for this variant (Variation ID: 220499). An algorithm developed to predict the effect of missense changes on protein structure and function (PolyPhen-2) suggests that this variant is likely to be tolerated. In summary, the available evidence is currently insufficient to determine the role of this variant in disease. Therefore, it has been classified as a Variant of Uncertain Significance.

Quest Diagnostics Nichols Institute San Juan Capistrano
Classification: Uncertain significance. Last evaluated: 2023-09-19. Review status: criteria provided, single submitter. Criteria: Quest Diagnostics criteria. Collection method: clinical testing. Allele origin: unknown.
Comment: In the published literature, this variant has been reported in a study with conflicting in silico predictions of benign and disease causing, however the clinical significance of this variant was not determined (PMID: 26252490 (2015)). The frequency of this variant in the general population, 0.000004 (1/251450 chromosomes (Genome Aggregation Database)), is uninformative in the assessment of its pathogenicity. Analysis of this variant using bioinformatics tools for the prediction of the effect of amino acid changes on protein structure and function yielded predictions that this variant is benign. Based on the available information, we are unable to determine the clinical significance of this variant.

GeneDx
Classification: Uncertain significance. Last evaluated: 2018-03-29. Review status: criteria provided, single submitter. Criteria: GeneDx Variant Classification (06012015). Collection method: clinical testing. Allele origin: germline. Affected: yes.
Comment: This variant is denoted CDK4 c.409G>C at the cDNA level, p.Val137Leu (V137L) at the protein level, and results in the change of a Valine to a Leucine (GTT>CTT). This variant has been observed in at least one individual with advanced cancer (Mandelker 2017). CDK4 Val137Leu was not observed at a significant allele frequency in large population cohorts (Lek 2016). This variant is located in the protein kinase domain (UniProt). In silico analysis, which includes protein predictors and evolutionary conservation, supports that this variant does not alter protein structure/function. Based on currently available evidence, it is unclear whether CDK4 Val137Leu is a pathogenic or benign variant. We consider it to be a variant of uncertain significance.

Literature cited by the submitters: PubMed 26252490 (cited by Quest Diagnostics Nichols Institute San Juan Capistrano).

NM_000075.4(CDK4):c.409G>C (p.Val137Leu)

Gene: CDK4 (cyclin dependent kinase 4; minus strand). Cytogenetic location: 12q14.1.
Variant type: single nucleotide variant.
Coding change: c.409G>C on transcript NM_000075.4 (MANE Select); coding-DNA position 409, G replaced by C.
Protein change: p.Val137Leu; replaces valine 137 with leucine.
Molecular consequence: missense variant.
Genome position (GRCh38, 1-based): chr12:57,751,036, C>G on the plus strand (G>C on the coding strand, the complement: CDK4 is on the minus strand). VCF-style: chr12-57751036-C-G. GRCh37 (hg19) VCF-style: chr12-58144819-C-G.
Other names: c.409G>C (LRG_490t1); short protein forms V137L.
Identifiers: ClinVar variation 220499 (VCV000220499.18), dbSNP rs150281463, ClinGen allele CA349144.